The following is an entry in ClinVar:

NM_001378609.3(OTOGL):c.5758G>T (p.Val1920Phe)

Gene: OTOGL (otogelin like; plus strand). Cytogenetic location: 12q21.31.
Variant type: single nucleotide variant.
Coding change: c.5758G>T on transcript NM_001378609.3 (MANE Select); coding-DNA position 5758, G replaced by T.
Protein change: p.Val1920Phe; replaces valine 1920 with phenylalanine.
Molecular consequence: missense variant.
Genome position (GRCh38, 1-based): chr12:80,355,900, G>T. VCF-style: chr12-80355900-G-T. GRCh37 (hg19) VCF-style: chr12-80749680-G-T.
Other names: c.5623G>T, p.Val1875Phe (NM_001368062.3); c.5758G>T, p.Val1920Phe (NM_001378610.3, NM_173591.7); short protein forms V1875F, V1920F.
Identifiers: ClinVar variation 930166 (VCV000930166.4), dbSNP rs768024118, ClinGen allele CA6701796.
Genomic context (GRCh38, chr12:80,355,900, plus strand): 5'-CCTATAGAACCTGACTGTGATGAAGAGCCCACGCCAGTTTGTGAACGAGAAGCTGAAGTT[G>T]TCATGGGCATCATTGATAAATGGACCTGCTGTTCAAAGGAAGTTTGTGGTATGTATGCAG-3'
Protein context (NP_001365538.2, residues 1910-1930): TPVCEREAEV[Val1920Phe]MGIIDKWTCC

ClinVar aggregate classification (germline): Uncertain significance (1 of 4 stars; one submission).

Allele frequency attached by ClinVar (database versions not stated): gnomAD 0.00001; gnomAD exomes below 0.00001; ExAC 0.00001; TOPMed 0.00001.
gnomAD v4.1: 8 of 1,613,840 alleles (0.0005%); highest among the groups gnomAD compares: Admixed American, 0.005%; no homozygotes.

Submission:

Laboratory for Molecular Medicine, Mass General Brigham Personalized Medicine
Classification: Uncertain significance. Last evaluated: 2020-01-22. Review status: criteria provided, single submitter. Criteria: LMM Criteria. Collection method: clinical testing. Allele origin: germline. Observed: 1 variant allele.
Comment: The p.Val1911Phe variant in OTOGL has not been previously reported in individuals with hearing loss but has been identified in 0.0009% (1/110216) of European chromosomes by gnomAD. Computational prediction tools and conservation analysis suggest that this variant may impact the protein, though this information is not predictive enough to determine pathogenicity. In summary, the clinical significance of this variant is uncertain. ACMG/AMP Criteria applied: PM2, PP3.